The following is an entry in ClinVar:

ClinVar aggregate classification (germline): Pathogenic (1 of 4 stars; one submission).

Allele frequency attached by ClinVar (database versions not stated): TOPMed below 0.00001.

Submission:

Labcorp Genetics (formerly Invitae), Labcorp
Classification: Pathogenic. Last evaluated: 2021-10-03. Review status: criteria provided, single submitter. Criteria: Invitae Variant Classification Sherloc (09022015). Collection method: clinical testing. Allele origin: germline.
Comment: This sequence change creates a premature translational stop signal (p.Gln19*) in the ERCC6 gene. It is expected to result in an absent or disrupted protein product. Loss-of-function variants in ERCC6 are known to be pathogenic (PMID: 18628313, 29572252). This variant is not present in population databases (ExAC no frequency). This variant has not been reported in the literature in individuals affected with ERCC6-related conditions. For these reasons, this variant has been classified as Pathogenic.

Literature cited by the submitters: PubMed 18628313; PubMed 29572252.

NM_000124.4(ERCC6):c.55C>T (p.Gln19Ter)

Gene: ERCC6 (ERCC excision repair 6, chromatin remodeling factor; minus strand). Cytogenetic location: 10q11.23.
Variant type: single nucleotide variant.
Coding change: c.55C>T on transcript NM_000124.4 (MANE Select); coding-DNA position 55, C replaced by T.
Protein change: p.Gln19Ter; replaces glutamine 19 with a stop codon.
Molecular consequence: nonsense.
Genome position (GRCh38, 1-based): chr10:49,532,910, G>A on the plus strand (C>T on the coding strand, the complement: ERCC6 is on the minus strand). VCF-style: chr10-49532910-G-A. GRCh37 (hg19) VCF-style: chr10-50740956-G-A.
Other names: c.55C>T, p.Gln19Ter (NM_001277058.2, NM_001277059.2, NM_001346440.2); short protein forms Q19*.
Identifiers: ClinVar variation 1362604 (VCV001362604.6), dbSNP rs1436103479, ClinGen allele CA376714792.